The following is an entry in ClinVar:

ClinVar aggregate classification (germline): Uncertain significance (1 of 4 stars; one submission).

Submission:

GeneDx
Classification: Uncertain significance. Last evaluated: 2022-07-14. Review status: criteria provided, single submitter. Criteria: GeneDx Variant Classification Process June 2021. Collection method: clinical testing. Allele origin: germline. Affected: yes.
Comment: Not observed at significant frequency in large population cohorts (gnomAD); In silico analysis supports that this missense variant does not alter protein structure/function; Has not been previously published as pathogenic or benign to our knowledge

NM_006940.6(SOX5):c.266C>A (p.Thr89Lys)

Gene: SOX5 (SRY-box transcription factor 5; minus strand). Cytogenetic location: 12p12.1.
Variant type: single nucleotide variant.
Coding change: c.266C>A on transcript NM_006940.6 (MANE Select); coding-DNA position 266, C replaced by A.
Protein change: p.Thr89Lys; replaces threonine 89 with lysine.
Molecular consequence: missense variant. On other transcripts: intron variant (1).
Genome position (GRCh38, 1-based): chr12:23,895,797, G>T on the plus strand (C>A on the coding strand, the complement: SOX5 is on the minus strand). VCF-style: chr12-23895797-G-T. GRCh37 (hg19) VCF-style: chr12-24048731-G-T.
Other names: c.227C>A, p.Thr76Lys (NM_001261414.3, NM_152989.5); c.236C>A, p.Thr79Lys (NM_001261415.3); c.165+101C>A (NM_001330785.2); short protein forms T76K, T79K, T89K.
Identifiers: ClinVar variation 1878927 (VCV001878927.1), dbSNP rs2505481737, ClinGen allele CA384321350.